The following is an entry in ClinVar:

NM_000492.4(CFTR):c.367C>G (p.Leu123Val)

Gene: CFTR (CF transmembrane conductance regulator; plus strand). Cytogenetic location: 7q31.2.
Variant type: single nucleotide variant.
Coding change: c.367C>G on transcript NM_000492.4 (MANE Select); coding-DNA position 367, C replaced by G.
Protein change: p.Leu123Val; replaces leucine 123 with valine.
Molecular consequence: missense variant.
Genome position (GRCh38, 1-based): chr7:117,530,992, C>G. VCF-style: chr7-117530992-C-G. GRCh37 (hg19) VCF-style: chr7-117171046-C-G.
Other names: short protein forms L123V.
Identifiers: ClinVar variation 5007142 (VCV005007142.2).

ClinVar aggregate classification (germline): Uncertain significance (1 of 4 stars; one submission).

Conditions:
Hereditary pancreatitis (PCTT). Also called: Hereditary chronic pancreatitis; PRSS1-Related Hereditary Pancreatitis. Identifiers: Orphanet 676, MedGen C0238339, MONDO:0008185, OMIM 167800.
Congenital bilateral aplasia of vas deferens from CFTR mutation (CBAVD). Identifiers: Orphanet 48, MedGen C0403814, MONDO:0010178, OMIM 277180. Disease mechanism: loss of function.
Cystic fibrosis (CF). Also called: MUCOVISCIDOSIS. Identifiers: Orphanet 586, MedGen C0010674, MONDO:0009061, OMIM 219700. Disease mechanism: loss of function.
Bronchiectasis with or without elevated sweat chloride 1 (BESC1). Also called: Cystic Fibrosis-Like Syndrome. Identifiers: Orphanet 60033, MedGen C2749757, MONDO:0008887, OMIM 211400.

gnomAD v4.1: 6 of 1,613,318 alleles (0.00037%); highest among the groups gnomAD compares: Non-Finnish European, 0.00051%; no homozygotes.

Submission:

Juno Genomics, Hangzhou Juno Genomics, Inc
Classification: Uncertain significance for Bronchiectasis with or without elevated sweat chloride 1; Hereditary pancreatitis; Congenital bilateral aplasia of vas deferens from CFTR mutation; Cystic fibrosis. Review status: criteria provided, single submitter. Criteria: ACMG Guidelines, 2015. Collection method: clinical testing. Allele origin: germline.
Comment: Absent from controls (or at extremely low frequency if recessive) in Genome Aggregation Database.;Multiple lines of computational evidence support a deleterious effect on the gene or gene product.